The following is an entry in ClinVar:

ClinVar aggregate classification (germline): Uncertain significance (1 of 4 stars; one submission).

Conditions:
TTC21B-related disorder. Also called: TTC21B-related disorders; TTC21B-related condition.

Submission:

PreventionGenetics, part of Exact Sciences
Classification: Uncertain significance for TTC21B-related condition. Last evaluated: 2026-01-21. Review status: criteria provided, single submitter. Criteria: ACMG Guidelines, 2015. Collection method: clinical testing. Allele origin: germline.
Comment: The TTC21B c.2602G>T variant is predicted to result in the amino acid substitution p.Val868Phe. To our knowledge, this variant has not been reported in the literature or in a large population database (gnomAD), indicating this variant is rare. At this time, the clinical significance of this variant is uncertain due to the absence of conclusive functional and genetic evidence.

NM_024753.5(TTC21B):c.2602G>T (p.Val868Phe)

Gene: TTC21B (tetratricopeptide repeat domain 21B; minus strand). Cytogenetic location: 2q24.3.
Variant type: single nucleotide variant.
Coding change: c.2602G>T on transcript NM_024753.5 (MANE Select); coding-DNA position 2602, G replaced by T.
Protein change: p.Val868Phe; replaces valine 868 with phenylalanine.
Molecular consequence: missense variant.
Genome position (GRCh38, 1-based): chr2:165,901,877, C>A on the plus strand (G>T on the coding strand, the complement: TTC21B is on the minus strand). VCF-style: chr2-165901877-C-A. GRCh37 (hg19) VCF-style: chr2-166758387-C-A.
Other names: short protein forms V868F.
Identifiers: ClinVar variation 4991096 (VCV004991096.1).